The following is an entry in ClinVar:

ClinVar aggregate classification (germline): Uncertain significance (1 of 4 stars; one submission).

Conditions:
Hereditary cancer-predisposing syndrome. Also called: Neoplastic Syndromes, Hereditary; Tumor predisposition; Hereditary neoplastic syndrome; Hereditary Cancer Syndrome. Identifiers: Orphanet 140162, MedGen C0027672, MeSH D009386, MONDO:0015356.

Submission:

Ambry Genetics
Classification: Uncertain significance for Hereditary cancer-predisposing syndrome. Last evaluated: 2024-03-02. Review status: criteria provided, single submitter. Criteria: Ambry Variant Classification Scheme 2023. Collection method: clinical testing. Allele origin: germline.
Comment: The p.D502V variant (also known as c.1505A>T), located in coding exon 11 of the PMS2 gene, results from an A to T substitution at nucleotide position 1505. The aspartic acid at codon 502 is replaced by valine, an amino acid with highly dissimilar properties. This amino acid position is conserved. In addition, this alteration is predicted to be tolerated by in silico analysis. Based on the available evidence, the clinical significance of this alteration remains unclear.

NM_000535.7(PMS2):c.1505A>T (p.Asp502Val)

Gene: PMS2 (PMS1 homolog 2, mismatch repair system component; minus strand). Cytogenetic location: 7p22.1.
Variant type: single nucleotide variant.
Coding change: c.1505A>T on transcript NM_000535.7 (MANE Select); coding-DNA position 1505, A replaced by T.
Protein change: p.Asp502Val; replaces aspartic acid 502 with valine.
Molecular consequence: missense variant. On other transcripts: non-coding transcript variant (1), intron variant (1).
Genome position (GRCh38, 1-based): chr7:5,987,260, T>A on the plus strand (A>T on the coding strand, the complement: PMS2 is on the minus strand). VCF-style: chr7-5987260-T-A. GRCh37 (hg19) VCF-style: chr7-6026891-T-A.
Other names: c.572A>T, p.Asp191Val (NM_001322011.2, NM_001322012.2); c.932A>T, p.Asp311Val (NM_001322013.2, NM_001406909.1); c.1505A>T, p.Asp502Val (NM_001322014.2, NM_001406871.1, NM_001406872.1); c.1196A>T, p.Asp399Val (NM_001322015.2, NM_001406875.1, NM_001406877.1 and 5 more transcripts); c.1691A>T, p.Asp564Val (NM_001406866.1); c.1529A>T, p.Asp510Val (NM_001406868.1); c.1397A>T, p.Asp466Val (NM_001406869.1); c.1349A>T, p.Asp450Val (NM_001406870.1, NM_001322006.2); and 13 more; short protein forms D191V, D245V, D311V, D315V, D331V, D344V, D347V, D367V.
Identifiers: ClinVar variation 3231978 (VCV003231978.1), dbSNP rs2535779835, ClinGen allele CA366741744.